The following is an entry in ClinVar:

ClinVar aggregate classification (germline): Uncertain significance (1 of 4 stars; one submission).

Submission:

Ambry Genetics
Classification: Uncertain significance. Last evaluated: 2025-02-28. Review status: criteria provided, single submitter. Criteria: Ambry Variant Classification Scheme 2023. Collection method: clinical testing. Allele origin: germline.
Comment: The p.L1335R variant (also known as c.4004T>G), located in coding exon 18 of the WNK2 gene, results from a T to G substitution at nucleotide position 4004. The leucine at codon 1335 is replaced by arginine, an amino acid with dissimilar properties. This amino acid position is conserved. In addition, this alteration is predicted to be tolerated by in silico analysis. Based on the available evidence, the clinical significance of this variant remains unclear.

NM_006648.4(WNK2):c.4004T>G (p.Leu1335Arg)

Gene: WNK2 (WNK lysine deficient protein kinase 2; plus strand). Cytogenetic location: 9q22.31.
Variant type: single nucleotide variant.
Coding change: c.4004T>G on transcript NM_006648.4 (MANE Select); coding-DNA position 4004, T replaced by G.
Protein change: p.Leu1335Arg; replaces leucine 1335 with arginine.
Molecular consequence: missense variant.
Genome position (GRCh38, 1-based): chr9:93,268,717, T>G. VCF-style: chr9-93268717-T-G. GRCh37 (hg19) VCF-style: chr9-96030999-T-G.
Other names: c.4004T>G, p.Leu1335Arg (NM_001282394.3); short protein forms L1335R.
Identifiers: ClinVar variation 3817175 (VCV003817175.1).